The following is an entry in ClinVar:

NM_000297.4(PKD2):c.420G>A (p.Gly140=)

Genes: PKD2 (polycystin 2, transient receptor potential cation channel; plus strand), LOC129992813 (ATAC-STARR-seq lymphoblastoid silent region 15559; plus strand). Cytogenetic location: 4q22.1.
Variant type: single nucleotide variant.
Coding change: c.420G>A on transcript NM_000297.4 (MANE Select); coding-DNA position 420, G replaced by A.
Protein change: p.Gly140=; no amino-acid change (glycine 140 retained).
Molecular consequence: synonymous variant. On other transcripts: non-coding transcript variant (1).
Genome position (GRCh38, 1-based): chr4:88,008,153, G>A. VCF-style: chr4-88008153-G-A. GRCh37 (hg19) VCF-style: chr4-88929305-G-A.
Other names: p.Gly140=.
Identifiers: ClinVar variation 92795 (VCV000092795.38), dbSNP rs2728118, ClinGen allele CA146019.

ClinVar aggregate classification (germline): Benign. Review status: criteria provided, multiple submitters, no conflicts (2 of 4 stars). 12 submissions from 12 submitters: Benign (10). 2 of the submissions do not count toward it. Last evaluated 2026-02-04.

Conditions:
Autosomal dominant polycystic kidney disease. Identifiers: Orphanet 730, MedGen C0085413, MONDO:0004691.
Polycystic kidney disease 2 (PKD2). Also called: Polycystic Kidney Disease 2, Autosomal Dominant; POLYCYSTIC KIDNEY DISEASE, ADULT, TYPE II; POLYCYSTIC KIDNEY DISEASE 2 WITH OR WITHOUT POLYCYSTIC LIVER DISEASE. Identifiers: MedGen C2751306, MONDO:0013131, OMIM 613095.
PKD2-related disorder. Also called: PKD2-related condition.
Polycystic kidney disease. Also called: Polycystic kidney dysplasia; Kidney, Polycystic. Identifiers: MedGen C0022680, MeSH D007690, MONDO:0020642, HP:0000113.

Allele frequency attached by ClinVar (database versions not stated): ExAC 0.06252; gnomAD 0.08616 and 0.08933; TOPMed 0.09528; 1000 Genomes Project 0.11442; 1000 Genomes Project 30x 0.11446.
gnomAD v4.1: 149,330 of 1,462,896 alleles (10%); highest among the groups gnomAD compares: East Asian, 30%; 9,301 homozygotes.

Submissions (12):

Labcorp Genetics (formerly Invitae), Labcorp
Classification: Benign for Autosomal dominant polycystic kidney disease. Last evaluated: 2026-02-04. Review status: criteria provided, single submitter. Criteria: Invitae Variant Classification Sherloc (09022015). Collection method: clinical testing. Allele origin: germline.

Blueprint Genetics
Classification: Benign. Last evaluated: 2024-11-26. Review status: criteria provided, single submitter. Criteria: ACMG Guidelines, 2015. Collection method: clinical testing. Allele origin: germline.

Mayo Clinic Laboratories, Mayo Clinic
Classification: Benign. Last evaluated: 2022-03-09. Review status: criteria provided, single submitter. Criteria: ACMG Guidelines, 2015. Collection method: clinical testing. Allele origin: germline. Observed: 81 variant alleles.

ARUP Laboratories, Molecular Genetics and Genomics, ARUP Laboratories
Classification: Benign for Polycystic kidney disease 2. Last evaluated: 2020-06-02. Review status: criteria provided, single submitter. Criteria: ARUP Molecular Germline Variant Investigation Process. Collection method: clinical testing. Allele origin: germline.

GeneDx
Classification: Benign. Last evaluated: 2019-01-25. Review status: criteria provided, single submitter. Criteria: GeneDx Variant Classification Process June 2021. Collection method: clinical testing. Allele origin: germline. Affected: yes.

Molecular Genetics of Inherited Kidney Disorders Laboratory, Garvan Institute of Medical Research
Classification: Benign for Autosomal dominant polycystic kidney disease. Last evaluated: 2019-01-01. Review status: criteria provided, single submitter. Criteria: ACMG Guidelines, 2015. Collection method: research. Allele origin: germline. Affected: yes.

Illumina Laboratory Services, Illumina
Classification: Benign for Polycystic kidney disease 2. Last evaluated: 2018-01-13. Review status: criteria provided, single submitter. Criteria: ICSL Variant Classification Criteria 13 December 2019. Collection method: clinical testing. Allele origin: germline.
Comment: This variant was observed in the ICSL laboratory as part of a predisposition screen in an ostensibly healthy population. It had not been previously curated by ICSL or reported in the Human Gene Mutation Database (HGMD: prior to June 1st, 2018), and was therefore a candidate for classification through an automated scoring system. Utilizing variant allele frequency, disease prevalence and penetrance estimates, and inheritance mode, an automated score was calculated to assess if this variant is too frequent to cause the disease. Based on the score and internal cut-off values, a variant classified as benign is not then subjected to further curation. The score for this variant resulted in a classification of benign for this disease.

Athena Diagnostics
Classification: Benign. Last evaluated: 2017-09-06. Review status: criteria provided, single submitter. Criteria: Athena Diagnostics Criteria. Collection method: clinical testing. Allele origin: germline.

Eurofins Ntd Llc (ga)
Classification: Benign. Last evaluated: 2016-09-07. Review status: criteria provided, single submitter. Criteria: EGL Classification Definitions 2015. Collection method: clinical testing. Allele origin: germline. Observed: 44 variant alleles, 36 heterozygotes, 8 homozygotes.

Breakthrough Genomics
Classification: Benign. Review status: criteria provided, single submitter. Criteria: ACMG Guidelines, 2015. Collection method: not provided. Allele origin: germline. Inheritance: Autosomal dominant inheritance. Affected: yes.

PreventionGenetics, part of Exact Sciences
Classification: Benign for PKD2-related condition. Last evaluated: 2021-01-05. Review status: no assertion criteria provided. Collection method: clinical testing. Allele origin: germline. Not counted in ClinVar's aggregate classification.
Comment: This variant is classified as benign based on ACMG/AMP sequence variant interpretation guidelines (Richards et al. 2015 PMID: 25741868, with internal and published modifications).

Department of Pathology and Laboratory Medicine, Sinai Health System
Classification: Benign for Polycystic Kidney disease. Review status: no assertion criteria provided. Collection method: clinical testing. Allele origin: unknown. Affected: yes. Observed: 1 variant allele. Study: The Canadian Open Genetics Repository (COGR). Not counted in ClinVar's aggregate classification.
Comment: The PKD2 p.Gly140Gly variant was identified as a polymorphism in 7 of 172 proband chromosomes (frequency: 0.041) from individuals or families with Autosomal Dominant Polycystic Kidney Disease and (Bataille 2011, Liu 2015). The variant was also identified in dbSNP (ID: rs2728118 â€šÃ„ÃºWith Benign alleleâ€šÃ„Ã¹, with a minor allele frequency of 0.1144 (573 of 5000 chromosomes in the 1000 Genomes Project). This variant was identified in the Exome Aggregation Consortium database (March 14, 2016) in 662 (27 homozygous) of 10588 chromosomes (freq. 0.06 ) in the following populations: East Asian in 32 of 130 chromosomes (freq. 0.25), Latino in 12 of 96 chromosomes (freq. 0.125), other in 10 of 120 chromosomes (freq. 0.08), European (Non-Finnish) in 194 of 2688 chromosomes (freq. 0.07), South Asian in 409 of 7348 chromosomes (freq. 0.06), and African in 5 of 206 chromosomes (freq. 0.02), but was not seen in the Finnish population, increasing the likelihood this could be a low frequency benign variant. In the ClinVar database the variant was identified as benign by Emory Genetics laboratory and in Clinvitae it was identified as benign by EmyClass. In the Mayo Clinic PKD database the variant was identified as likely neutral. In LOVD-PKD2 database the variant was identified 6X and as having no effect. In mRNA transcript analysis in the parents of one patient, the p.Gly140Gly variant occurred in trans to a variant (c.595_595+ 14del) that is predicted to affect splicing and is subjected to nonsense mediated decay (Liu 2015). The p.Gly140Gly variant is not expected to have clinical significance because it does not result in a change of amino acid and is not located in a known consensus splice site. In addition, in silico or computational prediction software programs (SpliceSiteFinder, MaxEntScan, NNSPLICE, GeneSplicer, HumanSpliceFinder) do not predict a difference in splicing. In summary, based on the above information, this variant meets our laboratory criteria to be classified as benign.